The following is an entry in ClinVar:

ClinVar aggregate classification (germline): Uncertain significance (1 of 4 stars; one submission).

Submission:

Labcorp Genetics (formerly Invitae), Labcorp
Classification: Uncertain significance. Last evaluated: 2024-01-04. Review status: criteria provided, single submitter. Criteria: Invitae Variant Classification Sherloc (09022015). Collection method: clinical testing. Allele origin: germline.
Comment: This sequence change replaces aspartic acid, which is acidic and polar, with glycine, which is neutral and non-polar, at codon 1234 of the COL2A1 protein (p.Asp1234Gly). This variant is not present in population databases (gnomAD no frequency). This variant has not been reported in the literature in individuals affected with COL2A1-related conditions. Advanced modeling of protein sequence and biophysical properties (such as structural, functional, and spatial information, amino acid conservation, physicochemical variation, residue mobility, and thermodynamic stability) performed at Invitae indicates that this missense variant is not expected to disrupt COL2A1 protein function with a negative predictive value of 95%. In summary, the available evidence is currently insufficient to determine the role of this variant in disease. Therefore, it has been classified as a Variant of Uncertain Significance.

NM_001844.5(COL2A1):c.3701A>G (p.Asp1234Gly)

Gene: COL2A1 (collagen type II alpha 1 chain; minus strand). Cytogenetic location: 12q13.11.
Variant type: single nucleotide variant.
Coding change: c.3701A>G on transcript NM_001844.5 (MANE Select); coding-DNA position 3701, A replaced by G.
Protein change: p.Asp1234Gly; replaces aspartic acid 1234 with glycine.
Molecular consequence: missense variant.
Genome position (GRCh38, 1-based): chr12:47,975,502, T>C on the plus strand (A>G on the coding strand, the complement: COL2A1 is on the minus strand). VCF-style: chr12-47975502-T-C. GRCh37 (hg19) VCF-style: chr12-48369285-T-C.
Other names: c.3494A>G, p.Asp1165Gly (NM_033150.3); short protein forms D1234G, D1165G.
Identifiers: ClinVar variation 2707523 (VCV002707523.3), dbSNP rs2540100500, ClinGen allele CA384536875.
Genomic context (GRCh38, chr12:47,975,502, plus strand): 5'-TCGGCGTCATGCTGTCTCAGGCCACCGGCTGCCTGGTCGGCCCGCATGTACTGCAGGGGG[T>C]CGGGGCCCTTCTCTCTCGGGCCTAAGCCAGCAAAGGCGGACATGTCGATGCCAGGGCCAG-3'
Protein context (NP_001835.3, residues 1224-1244): AGLGPREKGP[Asp1234Gly]PLQYMRADQA